The following is an entry in ClinVar:

NM_001873.4(CPE):c.784C>T (p.Arg262Trp)

Gene: CPE (carboxypeptidase E; plus strand). Cytogenetic location: 4q32.3.
Variant type: single nucleotide variant.
Coding change: c.784C>T on transcript NM_001873.4 (MANE Select); coding-DNA position 784, C replaced by T.
Protein change: p.Arg262Trp; replaces arginine 262 with tryptophan.
Molecular consequence: missense variant.
Genome position (GRCh38, 1-based): chr4:165,482,353, C>T. VCF-style: chr4-165482353-C-T. GRCh37 (hg19) VCF-style: chr4-166403505-C-T.
Other names: c.784C>T (NM_001873.2, NM_001873.3); short protein forms R262W.
Identifiers: ClinVar variation 2160231 (VCV002160231.6), dbSNP rs376055726, ClinGen allele CA3130272.

ClinVar aggregate classification (germline): Uncertain significance. Review status: criteria provided, multiple submitters, no conflicts (2 of 4 stars). 3 submissions from 3 submitters: Uncertain significance (2). 1 of the submissions does not count toward it. Last evaluated 2025-03-08.

Conditions:
Inborn genetic diseases. Identifiers: MedGen C0950123, MeSH D030342.
CPE-related disorder. Also called: CPE-related condition.

Allele frequency attached by ClinVar (database versions not stated): ExAC 0.00003; gnomAD exomes 0.00003; gnomAD 0.00005; TOPMed 0.00006; ESP Exome Variant Server 0.00008.

Submissions (3):

Ambry Genetics
Classification: Uncertain significance for Inborn genetic diseases. Last evaluated: 2025-03-08. Review status: criteria provided, single submitter. Criteria: Ambry Variant Classification Scheme 2023. Collection method: clinical testing. Allele origin: germline.

Labcorp Genetics (formerly Invitae), Labcorp
Classification: Uncertain significance. Last evaluated: 2022-05-18. Review status: criteria provided, single submitter. Criteria: Invitae Variant Classification Sherloc (09022015). Collection method: clinical testing. Allele origin: germline.
Comment: This sequence change replaces arginine, which is basic and polar, with tryptophan, which is neutral and slightly polar, at codon 262 of the CPE protein (p.Arg262Trp). This variant is present in population databases (rs376055726, gnomAD 0.007%). This variant has not been reported in the literature in individuals affected with CPE-related conditions. Algorithms developed to predict the effect of missense changes on protein structure and function are either unavailable or do not agree on the potential impact of this missense change (SIFT: "Not Available"; PolyPhen-2: "Possibly Damaging"; Align-GVGD: "Not Available"). In summary, the available evidence is currently insufficient to determine the role of this variant in disease. Therefore, it has been classified as a Variant of Uncertain Significance.

PreventionGenetics, part of Exact Sciences
Classification: Uncertain significance for CPE-related condition. Last evaluated: 2024-01-02. Review status: no assertion criteria provided. Collection method: clinical testing. Allele origin: germline. Not counted in ClinVar's aggregate classification.
Comment: The CPE c.784C>T variant is predicted to result in the amino acid substitution p.Arg262Trp. To our knowledge, this variant has not been reported in the literature. This variant is reported in 0.0062% of alleles in individuals of African descent in gnomAD. At this time, the clinical significance of this variant is uncertain due to the absence of conclusive functional and genetic evidence.